The following is an entry in ClinVar:

ClinVar aggregate classification (germline): Uncertain significance (1 of 4 stars; one submission).

Allele frequency attached by ClinVar (database versions not stated): ExAC 0.00002; gnomAD 0.00002; gnomAD exomes 0.00002 and 0.00007; ESP Exome Variant Server 0.00008.
gnomAD v4.1: 98 of 1,613,766 alleles (0.0061%); highest among the groups gnomAD compares: Non-Finnish European, 0.0081%; no homozygotes.

Submission:

Labcorp Genetics (formerly Invitae), Labcorp
Classification: Uncertain significance. Last evaluated: 2024-10-15. Review status: criteria provided, single submitter. Criteria: Invitae Variant Classification Sherloc (09022015). Collection method: clinical testing. Allele origin: germline.
Comment: This sequence change replaces proline, which is neutral and non-polar, with serine, which is neutral and polar, at codon 1291 of the PCLO protein (p.Pro1291Ser). This variant is present in population databases (rs377432658, gnomAD 0.005%). This variant has not been reported in the literature in individuals affected with PCLO-related conditions. ClinVar contains an entry for this variant (Variation ID: 1345737). An algorithm developed to predict the effect of missense changes on protein structure and function outputs the following: PolyPhen-2: "Not Available". The serine amino acid residue is found in multiple mammalian species, which suggests that this missense change does not adversely affect protein function. In summary, the available evidence is currently insufficient to determine the role of this variant in disease. Therefore, it has been classified as a Variant of Uncertain Significance.

NM_033026.6(PCLO):c.3871C>T (p.Pro1291Ser)

Gene: PCLO (piccolo presynaptic cytomatrix protein; minus strand). Cytogenetic location: 7q21.11.
Variant type: single nucleotide variant.
Coding change: c.3871C>T on transcript NM_033026.6 (MANE Select); coding-DNA position 3871, C replaced by T.
Protein change: p.Pro1291Ser; replaces proline 1291 with serine.
Molecular consequence: missense variant.
Genome position (GRCh38, 1-based): chr7:82,965,917, G>A on the plus strand (C>T on the coding strand, the complement: PCLO is on the minus strand). VCF-style: chr7-82965917-G-A. GRCh37 (hg19) VCF-style: chr7-82595233-G-A.
Other names: c.3871C>T, p.Pro1291Ser (NM_014510.3); short protein forms P1291S.
Identifiers: ClinVar variation 1345737 (VCV001345737.5), dbSNP rs377432658, ClinGen allele CA4320943.